The following is an entry in ClinVar:

NM_001164508.2(NEB):c.18918G>A (p.Trp6306Ter)

Gene: NEB (nebulin; minus strand). Cytogenetic location: 2q23.3.
Variant type: single nucleotide variant.
Coding change: c.18918G>A on transcript NM_001164508.2 (MANE Select); coding-DNA position 18918, G replaced by A.
Protein change: p.Trp6306Ter; replaces tryptophan 6306 with a stop codon.
Molecular consequence: nonsense.
Genome position (GRCh38, 1-based): chr2:151,562,188, C>T on the plus strand (G>A on the coding strand, the complement: NEB is on the minus strand). VCF-style: chr2-151562188-C-T. GRCh37 (hg19) VCF-style: chr2-152418702-C-T.
Other names: c.18918G>A, p.Trp6306Ter (NM_001164507.2, NM_001271208.2); c.13815G>A, p.Trp4605Ter (NM_004543.5); short protein forms W4605*, W6306*.
Identifiers: ClinVar variation 928637 (VCV000928637.1), dbSNP rs1559952676, ClinGen allele CA348797107.

ClinVar aggregate classification (germline): Likely pathogenic (1 of 4 stars; one submission).

Conditions:
Nemaline myopathy. Also called: Myopathies, Nemaline. Identifiers: Orphanet 607, MedGen C0206157, MONDO:0018958.

Submission:

Women's Health and Genetics/Laboratory Corporation of America, LabCorp
Classification: Likely pathogenic for Nemaline myopathy. Last evaluated: 2019-08-15. Review status: criteria provided, single submitter. Criteria: LabCorp Variant Classification Summary - May 2015. Collection method: clinical testing. Allele origin: germline.
Comment: Variant summary: NEB c.18918G>A (p.Trp6306X) results in a premature termination codon, predicted to cause a truncation of the encoded protein or absence of the protein due to nonsense mediated decay, which are commonly known mechanisms for disease. Truncations downstream of this position have been classified as pathogenic by our laboratory. The variant was absent in 248870 control chromosomes (gnomAD). To our knowledge, no occurrence of c.18918G>A in individuals affected with Nemaline Myopathy 2 and no experimental evidence demonstrating its impact on protein function have been reported. No clinical diagnostic laboratories have submitted clinical-significance assessments for this variant to ClinVar after 2014. Based on the evidence outlined above, the variant was classified as likely pathogenic.